The following is an entry in ClinVar:

ClinVar aggregate classification (germline): Uncertain significance (1 of 4 stars; one submission).

gnomAD v4.1: 1 of 1,614,170 alleles (0.000062%); highest among the groups gnomAD compares: Non-Finnish European, 0.000085%; no homozygotes.

Submission:

GeneDx
Classification: Uncertain significance. Last evaluated: 2024-10-20. Review status: criteria provided, single submitter. Criteria: GeneDx Variant Classification Process June 2021. Collection method: clinical testing. Allele origin: germline. Affected: yes.
Comment: Not observed at significant frequency in large population cohorts (gnomAD); In silico analysis supports that this missense variant has a deleterious effect on protein structure/function; Has not been previously published as pathogenic or benign to our knowledge

NM_138615.3(DHX30):c.1348C>T (p.His450Tyr)

Gene: DHX30 (DExH-box helicase 30; plus strand). Cytogenetic location: 3p21.31.
Variant type: single nucleotide variant.
Coding change: c.1348C>T on transcript NM_138615.3 (MANE Select); coding-DNA position 1348, C replaced by T.
Protein change: p.His450Tyr; replaces histidine 450 with tyrosine.
Molecular consequence: missense variant.
Genome position (GRCh38, 1-based): chr3:47,846,420, C>T. VCF-style: chr3-47846420-C-T. GRCh37 (hg19) VCF-style: chr3-47887910-C-T.
Other names: c.1264C>T, p.His422Tyr (NM_001330990.2); c.1231C>T, p.His411Tyr (NM_014966.4); short protein forms H411Y, H422Y, H450Y.
Identifiers: ClinVar variation 3781111 (VCV003781111.1).
Genomic context (GRCh38, chr3:47,846,420, plus strand): 5'-GAGGCCCCCCAGCTACCTGTGGACCCACATCGGGACACCATCCTCAACGCCATTGAGCAG[C>T]ACCCGGTGGTGGTCATCTCTGGGGACACGGGCTGTGGGAAGACCACGCGCATCCCCCAGC-3'
Protein context (NP_619520.1, residues 440-460): RDTILNAIEQ[His450Tyr]PVVVISGDTG